The following is an entry in ClinVar:

ClinVar aggregate classification (germline): Conflicting classifications of pathogenicity. Review status: criteria provided, conflicting classifications (1 of 4 stars). 6 submissions from 5 submitters: Uncertain significance (2); Benign (3); Likely benign (1). Last evaluated 2026-08-06.

Conditions:
Leigh syndrome (NULS). Also called: Leigh's syndrome; Subacute necrotizing encephalopathy; Necrotizing encephalopathy infantile subacute of Leigh; Leigh Syndrome (mtDNA deletion); Leigh Disease; Leigh's necrotizing encephalopathy. Identifiers: Orphanet 506, MedGen C2931891, MONDO:0009723, OMIM 256000.
Mitochondrial complex IV deficiency, nuclear type 1 (MC4DN1). Also called: Complex 4 mitochondrial respiratory chain deficiency; Deficiency of mitochondrial respiratory chain complex4; Complex IV deficiency; COX DEFICIENCY; Mitochondrial complex IV deficiency. Identifiers: MedGen C5435656, MONDO:0700250, OMIM 220110. Disease mechanism: loss of function.

Allele frequency attached by ClinVar (database versions not stated): gnomAD exomes 0.00019 and 0.00072; ESP Exome Variant Server 0.00062; ExAC 0.00072; gnomAD 0.00081; TOPMed 0.00098; 1000 Genomes Project 30x 0.00156; 1000 Genomes Project 0.00160.
gnomAD v4.1: 420 of 1,614,094 alleles (0.026%); highest among the groups gnomAD compares: East Asian, 0.48%; no homozygotes.

Submissions (6):

OLLIN Analises Genomicas, OLLIN
Classification: Uncertain significance. Last evaluated: 2026-08-06. Review status: criteria provided, single submitter. Criteria: ACMG Guidelines 2015 PMID 25741868. Collection method: clinical testing. Allele origin: germline.
Comment: This missense variant, located in exon 3 (of 7), has been reported in ClinVar (accession VCV000137008.14) and in gnomAD with an allele frequency of 0.026%. However, to our knowledge, it has not been reported in the scientific literature. In silico analysis predicts that this variant has a tolerated effect. According to the currently available evidence, this variant has been classified as uncertain significance (BP4_M).

Labcorp Genetics (formerly Invitae), Labcorp
Classification: Benign. Last evaluated: 2025-12-30. Review status: criteria provided, single submitter. Criteria: Invitae Variant Classification Sherloc (09022015). Collection method: clinical testing. Allele origin: germline.

Mayo Clinic Laboratories, Mayo Clinic
Classification: Benign. Last evaluated: 2024-11-08. Review status: criteria provided, single submitter. Criteria: ACMG Guidelines, 2015. Collection method: clinical testing. Allele origin: germline. Observed: 2 variant alleles.
Comment: BA1, BP4

Illumina Laboratory Services, Illumina
Classification: Uncertain significance for Mitochondrial complex IV deficiency, nuclear type 1. Last evaluated: 2018-01-12. Review status: criteria provided, single submitter. Criteria: ICSL Variant Classification Criteria 13 December 2019. Collection method: clinical testing. Allele origin: germline.

Illumina Laboratory Services, Illumina
Classification: Likely benign for Leigh syndrome. Last evaluated: 2018-01-12. Review status: criteria provided, single submitter. Criteria: ICSL Variant Classification Criteria 13 December 2019. Collection method: clinical testing. Allele origin: germline.
Comment: This variant was observed in the ICSL laboratory as part of a predisposition screen in an ostensibly healthy population. It had not been previously curated by ICSL or reported in the Human Gene Mutation Database (HGMD: prior to June 1st, 2018), and was therefore a candidate for classification through an automated scoring system. Utilizing variant allele frequency, disease prevalence and penetrance estimates, and inheritance mode, an automated score was calculated to assess if this variant is too frequent to cause the disease. Based on the score and internal cut-off values, a variant classified as likely benign is not then subjected to further curation. The score for this variant resulted in a classification of likely benign for this disease.

GeneDx
Classification: Benign. Last evaluated: 2014-04-09. Review status: criteria provided, single submitter. Criteria: GeneDx Variant Classification (06012015). Collection method: clinical testing. Allele origin: germline. Affected: yes.
Comment: This variant is considered likely benign or benign based on one or more of the following criteria: it is a conservative change, it occurs at a poorly conserved position in the protein, it is predicted to be benign by multiple in silico algorithms, and/or has population frequency not consistent with disease.

NM_001303.4(COX10):c.302C>T (p.Pro101Leu)

Gene: COX10 (cytochrome c oxidase assembly factor heme A:farnesyltransferase COX10; plus strand). Cytogenetic location: 17p12.
Variant type: single nucleotide variant.
Coding change: c.302C>T on transcript NM_001303.4 (MANE Select); coding-DNA position 302, C replaced by T.
Protein change: p.Pro101Leu; replaces proline 101 with leucine.
Molecular consequence: missense variant.
Genome position (GRCh38, 1-based): chr17:14,076,859, C>T. VCF-style: chr17-14076859-C-T. GRCh37 (hg19) VCF-style: chr17-13980176-C-T.
Other names: p.P101L:CCT>CTT; p.Pro101Leu; short protein forms P101L.
Identifiers: ClinVar variation 137008 (VCV000137008.15), dbSNP rs145948285, ClinGen allele CA290476.